The following is an entry in ClinVar:

NM_021815.5(SLC5A7):c.8T>C (p.Phe3Ser)

Gene: SLC5A7 (solute carrier family 5 member 7; plus strand). Cytogenetic location: 2q12.3.
Variant type: single nucleotide variant.
Coding change: c.8T>C on transcript NM_021815.5 (MANE Select); coding-DNA position 8, T replaced by C.
Protein change: p.Phe3Ser; replaces phenylalanine 3 with serine.
Molecular consequence: missense variant. On other transcripts: 5 prime UTR variant (1), intron variant (1).
Genome position (GRCh38, 1-based): chr2:107,988,163, T>C. VCF-style: chr2-107988163-T-C. GRCh37 (hg19) VCF-style: chr2-108604619-T-C.
Other names: c.8T>C, p.Phe3Ser (NM_001305005.3); c.-697T>C (NM_001305007.3); c.-138+1400T>C (NM_001305006.3); short protein forms F3S.
Identifiers: ClinVar variation 2069794 (VCV002069794.4), dbSNP rs945140285, ClinGen allele CA53407757.

ClinVar aggregate classification (germline): Uncertain significance (1 of 4 stars; one submission).

Conditions:
Congenital myasthenic syndrome 20. Also called: Myasthenic syndrome, congenital, 20, presynaptic. Identifiers: MedGen C4310694, MONDO:0014939, OMIM 617143.
Neuronopathy, distal hereditary motor, type 7A. Also called: Neuronopathy, distal hereditary motor, type viia; HARPER-YOUNG MYOPATHY; HMN VIIA; SPINAL MUSCULAR ATROPHY, DISTAL, WITH VOCAL CORD PARALYSIS; NEURONOPATHY, DISTAL HEREDITARY MOTOR, HARDING TYPE VIIA; NEUROPATHY, DISTAL HEREDITARY MOTOR, HARDING TYPE VIIA. Identifiers: Orphanet 139589, MedGen C1834703, MONDO:0008024, OMIM 158580.

Allele frequency attached by ClinVar (database versions not stated): TOPMed 0.00001; gnomAD 0.00001.
gnomAD v4.1: 2 of 1,611,550 alleles (0.00012%); highest among the groups gnomAD compares: Non-Finnish European, 0.00017%; no homozygotes.

Submission:

Labcorp Genetics (formerly Invitae), Labcorp
Classification: Uncertain significance for Neuronopathy, distal hereditary motor, type 7A; Congenital myasthenic syndrome 20. Last evaluated: 2025-06-04. Review status: criteria provided, single submitter. Criteria: Invitae Variant Classification Sherloc (09022015). Collection method: clinical testing. Allele origin: germline.
Comment: This sequence change replaces phenylalanine, which is neutral and non-polar, with serine, which is neutral and polar, at codon 3 of the SLC5A7 protein (p.Phe3Ser). This variant is not present in population databases (gnomAD no frequency). This variant has not been reported in the literature in individuals affected with SLC5A7-related conditions. ClinVar contains an entry for this variant (Variation ID: 2069794). Invitae Evidence Modeling of protein sequence and biophysical properties (such as structural, functional, and spatial information, amino acid conservation, physicochemical variation, residue mobility, and thermodynamic stability) indicates that this missense variant is not expected to disrupt SLC5A7 protein function with a negative predictive value of 80%. In summary, the available evidence is currently insufficient to determine the role of this variant in disease. Therefore, it has been classified as a Variant of Uncertain Significance.